The following is an entry in ClinVar:

NM_001330260.2(SCN8A):c.3819+2T>C

Gene: SCN8A (sodium voltage-gated channel alpha subunit 8; plus strand). Cytogenetic location: 12q13.13.
Variant type: single nucleotide variant.
Coding change: c.3819+2T>C on transcript NM_001330260.2 (MANE Select); the canonical splice donor site of the intron after coding-DNA position 3819, T replaced by C.
Molecular consequence: splice donor variant.
Genome position (GRCh38, 1-based): chr12:51,774,364, T>C. VCF-style: chr12-51774364-T-C. GRCh37 (hg19) VCF-style: chr12-52168148-T-C.
Other names: c.3819+2T>C (NM_014191.4, NM_001177984.3, NM_001369788.1).
Identifiers: ClinVar variation 4056866 (VCV004056866.1).

ClinVar aggregate classification (germline): Likely pathogenic (1 of 4 stars; one submission).

Submission:

GeneDx
Classification: Likely pathogenic. Last evaluated: 2025-01-14. Review status: criteria provided, single submitter. Criteria: GeneDx Variant Classification Process June 2021. Collection method: clinical testing. Allele origin: germline. Affected: yes.
Comment: Canonical splice site variant predicted to result in an in-frame loss of the adjacent exon in a gene for which loss of function is a known mechanism of disease; Deletions involving coding exons of this gene are a known mechanism of disease (HGMD); Not observed at significant frequency in large population cohorts (gnomAD); Has not been previously published as pathogenic or benign to our knowledge